The following is an entry in ClinVar:

NM_001354604.2(MITF):c.1081A>G (p.Ile361Val)

Gene: MITF (melanocyte inducing transcription factor; plus strand). Cytogenetic location: 3p13.
Variant type: single nucleotide variant.
Coding change: c.1081A>G on transcript NM_001354604.2 (MANE Select); coding-DNA position 1081, A replaced by G.
Protein change: p.Ile361Val; replaces isoleucine 361 with valine.
Molecular consequence: missense variant.
Genome position (GRCh38, 1-based): chr3:69,959,322, A>G. VCF-style: chr3-69959322-A-G. GRCh37 (hg19) VCF-style: chr3-70008473-A-G.
Other names: c.760A>G, p.Ile254Val (NM_000248.4); c.907A>G, p.Ile303Val (NM_001184967.2, NM_001354608.2); c.1078A>G, p.Ile360Val (NM_001354605.2); c.1060A>G, p.Ile354Val (NM_001354606.2, NM_006722.3); c.1012A>G, p.Ile338Val (NM_001354607.2); c.742A>G, p.Ile248Val (NM_198158.3); c.1063A>G, p.Ile355Val (NM_198159.3); c.1015A>G, p.Ile339Val (NM_198177.3); and 1 more; short protein forms I192V, I248V, I254V, I303V, I338V, I339V, I354V, I355V.
Identifiers: ClinVar variation 4860049 (VCV004860049.1).

ClinVar aggregate classification (germline): Uncertain significance (1 of 4 stars; one submission).

Conditions:
Hereditary cancer-predisposing syndrome. Also called: Neoplastic Syndromes, Hereditary; Tumor predisposition; Hereditary Cancer Syndrome; Hereditary neoplastic syndrome. Identifiers: Orphanet 140162, MedGen C0027672, MeSH D009386, MONDO:0015356.

Submission:

Ambry Genetics
Classification: Uncertain significance for Hereditary cancer-predisposing syndrome. Last evaluated: 2026-03-18. Review status: criteria provided, single submitter. Criteria: Ambry Variant Classification Scheme 2023. Collection method: clinical testing. Allele origin: germline.
Comment: The p.I254V variant (also known as c.760A>G), located in coding exon 8 of the MITF gene, results from an A to G substitution at nucleotide position 760. The isoleucine at codon 254 is replaced by valine, an amino acid with highly similar properties. This amino acid position is conserved. In addition, this alteration is predicted to be deleterious by in silico analysis. Based on the available evidence, the clinical significance of this variant remains unclear.